The following is an entry in ClinVar:

NM_024675.4(PALB2):c.3074C>A (p.Ala1025Asp)

Gene: PALB2 (partner and localizer of BRCA2; minus strand). Cytogenetic location: 16p12.2.
Variant type: single nucleotide variant.
Coding change: c.3074C>A on transcript NM_024675.4 (MANE Select); coding-DNA position 3074, C replaced by A.
Protein change: p.Ala1025Asp; replaces alanine 1025 with aspartic acid.
Molecular consequence: missense variant. On other transcripts: intron variant (1).
Genome position (GRCh38, 1-based): chr16:23,621,401, G>T on the plus strand (C>A on the coding strand, the complement: PALB2 is on the minus strand). VCF-style: chr16-23621401-G-T. GRCh37 (hg19) VCF-style: chr16-23632722-G-T.
Other names: c.2834+2608C>A (NM_001407300.1); c.3014C>A, p.Ala1005Asp (NM_001407296.1); c.3002C>A, p.Ala1001Asp (NM_001407297.1); c.2912C>A, p.Ala971Asp (NM_001407298.1, NM_001407302.1); c.3074C>A, p.Ala1025Asp (NM_001407299.1, NM_001407301.1); c.2189C>A, p.Ala730Asp (NM_001407304.1, NM_001407305.1, NM_001407306.1 and 4 more transcripts); c.2027C>A, p.Ala676Asp (NM_001407307.1); c.1286C>A, p.Ala429Asp (NM_001407312.1, NM_001407313.1); and 1 more; short protein forms A203D, A676D, A971D, A1001D, A429D, A1005D, A1025D, A730D.
Identifiers: ClinVar variation 2773995 (VCV002773995.2), dbSNP rs1555459378, ClinGen allele CA395142935.

ClinVar aggregate classification (germline): Uncertain significance (1 of 4 stars; one submission).

Conditions:
Hereditary cancer-predisposing syndrome. Also called: Hereditary neoplastic syndrome; Hereditary Cancer Syndrome; Neoplastic Syndromes, Hereditary; Tumor predisposition. Identifiers: Orphanet 140162, MedGen C0027672, MeSH D009386, MONDO:0015356.

Submission:

Color Diagnostics, LLC DBA Color Health
Classification: Uncertain significance for Hereditary cancer-predisposing syndrome. Last evaluated: 2024-03-06. Review status: criteria provided, single submitter. Criteria: ACMG Guidelines, 2015. Collection method: clinical testing. Allele origin: germline.
Comment: This missense variant replaces alanine with aspartic acid at codon 1025 of the PALB2 protein. Computational prediction suggests that this variant may not impact protein structure and function (internally defined REVEL score threshold <= 0.5, PMID: 27666373). To our knowledge, functional studies have not been reported for this variant. This variant has not been reported in individuals affected with hereditary cancer in the literature. This variant has not been identified in the general population by the Genome Aggregation Database (gnomAD). The available evidence is insufficient to determine the role of this variant in disease conclusively. Therefore, this variant is classified as a Variant of Uncertain Significance.